The following is an entry in ClinVar:

NM_199242.3(UNC13D):c.1336G>A (p.Glu446Lys)

Gene: UNC13D (unc-13 homolog D; minus strand). Cytogenetic location: 17q25.1.
Variant type: single nucleotide variant.
Coding change: c.1336G>A on transcript NM_199242.3 (MANE Select); coding-DNA position 1336, G replaced by A.
Protein change: p.Glu446Lys; replaces glutamic acid 446 with lysine.
Molecular consequence: missense variant.
Genome position (GRCh38, 1-based): chr17:75,836,392, C>T on the plus strand (G>A on the coding strand, the complement: UNC13D is on the minus strand). VCF-style: chr17-75836392-C-T. GRCh37 (hg19) VCF-style: chr17-73832473-C-T.
Other names: short protein forms E446K.
Identifiers: ClinVar variation 2421371 (VCV002421371.4), dbSNP rs369324054, ClinGen allele CA8773021.
Genomic context (GRCh38, chr17:75,836,392, plus strand): 5'-ACCATACCTGCAGGGCCTCAGTCACCAGCTGGGGCAATGGGGCGGTGTTGGGGCACAGTT[C>T]TCCAAAGGCCTTCATCTTGCACATCTGTACCAGGACCCTGCAAGATGGAAAGAGCTGTGT-3'
Protein context (NP_954712.1, residues 436-456): VQMCKMKAFG[Glu446Lys]LCPNTAPLPQ

ClinVar aggregate classification (germline): Uncertain significance. Review status: criteria provided, multiple submitters, no conflicts (2 of 4 stars). 2 submissions from 2 submitters: Uncertain significance (2). Last evaluated 2025-08-25.

Conditions:
Familial hemophagocytic lymphohistiocytosis 3 (FHL3). Also called: UNC13D-Related Familial Hemophagocytic Lymphohistiocytosis (UNC13D-fHLH). Identifiers: Orphanet 540, MedGen C1837174, MONDO:0012146, OMIM 608898.
Inborn genetic diseases. Identifiers: MedGen C0950123, MeSH D030342.

Allele frequency attached by ClinVar (database versions not stated): gnomAD exomes below 0.00001; ExAC 0.00001; gnomAD 0.00001; ESP Exome Variant Server 0.00015.
gnomAD v4.1: 3 of 1,613,680 alleles (0.00019%); highest among the groups gnomAD compares: Non-Finnish European, 0.00017%; no homozygotes.

Submissions (2):

Ambry Genetics
Classification: Uncertain significance for Inborn genetic diseases. Last evaluated: 2025-08-25. Review status: criteria provided, single submitter. Criteria: Ambry Variant Classification Scheme 2023. Collection method: clinical testing. Allele origin: germline.

Labcorp Genetics (formerly Invitae), Labcorp
Classification: Uncertain significance for Familial hemophagocytic lymphohistiocytosis 3. Last evaluated: 2022-08-22. Review status: criteria provided, single submitter. Criteria: Invitae Variant Classification Sherloc (09022015). Collection method: clinical testing. Allele origin: germline.
Comment: This sequence change replaces glutamic acid, which is acidic and polar, with lysine, which is basic and polar, at codon 446 of the UNC13D protein (p.Glu446Lys). This variant is present in population databases (rs369324054, gnomAD 0.005%). This variant has not been reported in the literature in individuals affected with UNC13D-related conditions. Algorithms developed to predict the effect of missense changes on protein structure and function are either unavailable or do not agree on the potential impact of this missense change (SIFT: "Not Available"; PolyPhen-2: "Benign"; Align-GVGD: "Not Available"). In summary, the available evidence is currently insufficient to determine the role of this variant in disease. Therefore, it has been classified as a Variant of Uncertain Significance.